The following is an entry in ClinVar:

ClinVar aggregate classification (germline): Uncertain significance. Review status: criteria provided, single submitter (1 of 4 stars). 2 submissions from 2 submitters: Uncertain significance (1). 1 of the submissions does not count toward it. Last evaluated 2023-07-21.

Conditions:
Monosomy 7 myelodysplasia and leukemia syndrome 1. Also called: Familial Mosaic Monosomy 7 Syndrome; Monosomy 7 of bone marrow; CHROMOSOME 7q DELETION. Identifiers: MedGen C1854978, MONDO:0009646, OMIM 252270.

Submissions (2):

Labcorp Genetics (formerly Invitae), Labcorp
Classification: Uncertain significance. Last evaluated: 2023-07-21. Review status: criteria provided, single submitter. Criteria: Invitae Variant Classification Sherloc (09022015). Collection method: clinical testing. Allele origin: germline.
Comment: In summary, the available evidence is currently insufficient to determine the role of this variant in disease. Therefore, it has been classified as a Variant of Uncertain Significance. Advanced modeling of protein sequence and biophysical properties (such as structural, functional, and spatial information, amino acid conservation, physicochemical variation, residue mobility, and thermodynamic stability) performed at Invitae indicates that this missense variant is not expected to disrupt SAMD9L protein function. ClinVar contains an entry for this variant (Variation ID: 988630). This missense change has been observed in individual(s) with clinical features of SAMD9L-related conditions (PMID: 30046003). This variant is not present in population databases (gnomAD no frequency). This sequence change replaces valine, which is neutral and non-polar, with alanine, which is neutral and non-polar, at codon 1512 of the SAMD9L protein (p.Val1512Ala).

OMIM
Classification: Pathogenic for MONOSOMY 7 MYELODYSPLASIA AND LEUKEMIA SYNDROME 1. Last evaluated: 2020-12-10. Review status: no assertion criteria provided. Collection method: literature only. Allele origin: germline. Not counted in ClinVar's aggregate classification.

Literature cited by the submitters: PubMed 30046003 (cited by Labcorp Genetics (formerly Invitae), Labcorp and OMIM).

NM_152703.5(SAMD9L):c.4535T>C (p.Val1512Ala)

Gene: SAMD9L (sterile alpha motif domain containing 9 like; minus strand). Cytogenetic location: 7q21.2.
Variant type: single nucleotide variant.
Coding change: c.4535T>C on transcript NM_152703.5 (MANE Select); coding-DNA position 4535, T replaced by C.
Protein change: p.Val1512Ala; replaces valine 1512 with alanine.
Molecular consequence: missense variant.
Genome position (GRCh38, 1-based): chr7:93,131,437, A>G on the plus strand (T>C on the coding strand, the complement: SAMD9L is on the minus strand). VCF-style: chr7-93131437-A-G. GRCh37 (hg19) VCF-style: chr7-92760750-A-G.
Other names: V1512A; c.4535T>C, p.Val1512Ala (NM_001303496.3, NM_001303497.3, NM_001303498.3 and 5 more transcripts).
Identifiers: ClinVar variation 988630 (VCV000988630.4), dbSNP rs1792087738, ClinGen allele CA368171065.